The following is an entry in ClinVar:

NM_000243.3(MEFV):c.2236T>G (p.Cys746Gly)

Gene: MEFV (MEFV innate immunity regulator, pyrin; minus strand). Cytogenetic location: 16p13.3.
Variant type: single nucleotide variant.
Coding change: c.2236T>G on transcript NM_000243.3 (MANE Select); coding-DNA position 2236, T replaced by G.
Protein change: p.Cys746Gly; replaces cysteine 746 with glycine.
Molecular consequence: missense variant. On other transcripts: 3 prime UTR variant (1).
Genome position (GRCh38, 1-based): chr16:3,243,251, A>C on the plus strand (T>G on the coding strand, the complement: MEFV is on the minus strand). VCF-style: chr16-3243251-A-C. GRCh37 (hg19) VCF-style: chr16-3293251-A-C.
Other names: c.*440T>G (NM_001198536.2); short protein forms C746G.
Identifiers: ClinVar variation 1373476 (VCV001373476.6), dbSNP rs1407457811, ClinGen allele CA394485038.

ClinVar aggregate classification (germline): Uncertain significance (1 of 4 stars; one submission).

Conditions:
Familial Mediterranean fever (FMF). Also called: Periodic peritonitis; Benign paroxysmal peritonitis; POLYSEROSITIS, FAMILIAL PAROXYSMAL; POLYSEROSITIS, RECURRENT. Identifiers: Orphanet 342, MedGen C0031069, MONDO:0018088, OMIM 249100. Disease mechanism: gain of function.

Submission:

Labcorp Genetics (formerly Invitae), Labcorp
Classification: Uncertain significance for Familial Mediterranean fever. Last evaluated: 2023-07-10. Review status: criteria provided, single submitter. Criteria: Invitae Variant Classification Sherloc (09022015). Collection method: clinical testing. Allele origin: germline.
Comment: In summary, the available evidence is currently insufficient to determine the role of this variant in disease. Therefore, it has been classified as a Variant of Uncertain Significance. An algorithm developed to predict the effect of missense changes on protein structure and function (PolyPhen-2) suggests that this variant is likely to be tolerated. ClinVar contains an entry for this variant (Variation ID: 1373476). This variant has not been reported in the literature in individuals affected with MEFV-related conditions. This variant is not present in population databases (gnomAD no frequency). This sequence change replaces cysteine, which is neutral and slightly polar, with glycine, which is neutral and non-polar, at codon 746 of the MEFV protein (p.Cys746Gly).